The following is an entry in ClinVar:

NM_000135.4(FANCA):c.1304G>T (p.Arg435Leu)

Gene: FANCA (FA complementation group A; minus strand). Cytogenetic location: 16q24.3.
Variant type: single nucleotide variant.
Coding change: c.1304G>T on transcript NM_000135.4 (MANE Select); coding-DNA position 1304, G replaced by T.
Protein change: p.Arg435Leu; replaces arginine 435 with leucine.
Molecular consequence: missense variant.
Genome position (GRCh38, 1-based): chr16:89,791,458, C>A on the plus strand (G>T on the coding strand, the complement: FANCA is on the minus strand). VCF-style: chr16-89791458-C-A. GRCh37 (hg19) VCF-style: chr16-89857866-C-A.
Other names: c.1304G>T, p.Arg435Leu (NM_001286167.3); c.1304G>T (LRG_495t1); short protein forms R435L.
Identifiers: ClinVar variation 556625 (VCV000556625.15), dbSNP rs1060501879, ClinGen allele CA397463962.

ClinVar aggregate classification (germline): Pathogenic/Likely pathogenic. Review status: criteria provided, multiple submitters, no conflicts (2 of 4 stars). 6 submissions from 6 submitters: Pathogenic (1); Likely pathogenic (3). 2 of the submissions do not count toward it. Last evaluated 2026-04-16.

Conditions:
Fanconi anemia (FA). Also called: Fanconi's anemia. Identifiers: Orphanet 84, MedGen C0015625, MeSH D005199, MONDO:0019391.
Fanconi anemia complementation group A (FANCA). Also called: Fanconi anemia, group A; FANCA-Related Fanconi Anemia. Identifiers: Orphanet 84, MedGen C3469521, MONDO:0009215, OMIM 227650.

Submissions (6):

Myriad Genetics, Inc.
Classification: Likely pathogenic for Fanconi anemia complementation group A. Last evaluated: 2026-04-16. Review status: criteria provided, single submitter. Criteria: Myriad Autosomal Dominant, Autosomal Recessive and X-Linked Classification Criteria (2023). Collection method: clinical testing. Allele origin: unknown.
Comment: NM_000135.2(FANCA):c.1304G>T(R435L) is a missense variant classified as likely pathogenic in the context of Fanconi anemia complementation group A. R435L has been observed in a case with relevant disease (PMID: 23613520). Relevant functional assessments of this variant are not available in the literature. Internal structural analysis of the variant is supportive of pathogenicity. R435L has not been observed in referenced population frequency databases. In summary, NM_000135.2(FANCA):c.1304G>T(R435L) is a missense variant that has internal structural support for pathogenicity and has been observed more frequently in cases with the relevant disease than in healthy populations. Please note: this variant was assessed in the context of healthy population screening.

Women's Health and Genetics/Laboratory Corporation of America, LabCorp
Classification: Likely pathogenic for Fanconi anemia. Last evaluated: 2024-07-05. Review status: criteria provided, single submitter. Criteria: LabCorp Variant Classification Summary - May 2015. Collection method: clinical testing. Allele origin: germline.
Comment: Variant summary: FANCA c.1304G>T (p.Arg435Leu) results in a non-conservative amino acid change located in the anconi anaemia group A protein, N-terminal domain (IPR031729) of the encoded protein sequence. Five of five in-silico tools predict a damaging effect of the variant on protein function. The variant was absent in 250930 control chromosomes. c.1304G>T has been reported in the literature as compound heterozygous genotype in two individuals affected with Fanconi Anemia (Chandrasekharappa_2013, Kimble_2018). These data indicate that the variant may be associated with disease. A different variant affecting the same codon has been classified as pathogenic by our lab (c.1303C>T, p.Arg435Cys), supporting the critical relevance of codon 435 to FANCA protein function. To our knowledge, no experimental evidence demonstrating an impact on protein function has been reported. The following publications have been ascertained in the context of this evaluation (PMID: 23613520, 29098742). ClinVar contains an entry for this variant (Variation ID: 556625). Based on the evidence outlined above, the variant was classified as likely pathogenic.

Labcorp Genetics (formerly Invitae), Labcorp
Classification: Pathogenic for Fanconi anemia. Last evaluated: 2023-12-20. Review status: criteria provided, single submitter. Criteria: Invitae Variant Classification Sherloc (09022015). Collection method: clinical testing. Allele origin: germline.
Comment: This sequence change replaces arginine, which is basic and polar, with leucine, which is neutral and non-polar, at codon 435 of the FANCA protein (p.Arg435Leu). This variant is not present in population databases (gnomAD no frequency). This missense change has been observed in individual(s) with FANCA-related conditions (PMID: 23613520). In at least one individual the data is consistent with being in trans (on the opposite chromosome) from a pathogenic variant. ClinVar contains an entry for this variant (Variation ID: 556625). Advanced modeling of protein sequence and biophysical properties (such as structural, functional, and spatial information, amino acid conservation, physicochemical variation, residue mobility, and thermodynamic stability) performed at Invitae indicates that this missense variant is expected to disrupt FANCA protein function with a positive predictive value of 80%. Experimental studies have shown that this missense change affects FANCA function (PMID: 29098742). This variant disrupts the p.Arg435 amino acid residue in FANCA. Other variant(s) that disrupt this residue have been determined to be pathogenic (PMID: 10090479, 11739169, 12444097, 15523645, 19367192, 29098742). This suggests that this residue is clinically significant, and that variants that disrupt this residue are likely to be disease-causing. For these reasons, this variant has been classified as Pathogenic.

Baylor Genetics
Classification: Likely pathogenic for Fanconi anemia complementation group A. Last evaluated: 2022-09-22. Review status: criteria provided, single submitter. Criteria: ACMG Guidelines, 2015. Collection method: clinical testing. Allele origin: unknown.

Leiden Open Variation Database
Classification: Uncertain significance for Fanconi anemia complementation group A. Last evaluated: 2020-02-28. Review status: no assertion criteria provided. Collection method: curation. Allele origin: germline. Affected: yes. Not counted in ClinVar's aggregate classification.
Comment: Curator: Arleen D. Auerbach. Submitter to LOVD: Arleen D. Auerbach.

Counsyl
Classification: Uncertain significance for Fanconi anemia complementation group A. Last evaluated: 2018-02-16. Review status: no assertion criteria provided. Collection method: clinical testing. Allele origin: unknown. Not counted in ClinVar's aggregate classification.

Literature cited by the submitters: PubMed 23613520 (cited by 5 submitters); PubMed 29098742 (cited by 3 submitters); PubMed 10090479 (cited by Labcorp Genetics (formerly Invitae), Labcorp); PubMed 11739169 (cited by Labcorp Genetics (formerly Invitae), Labcorp); PubMed 12444097 (cited by Labcorp Genetics (formerly Invitae), Labcorp); PubMed 15523645 (cited by Labcorp Genetics (formerly Invitae), Labcorp); PubMed 19367192 (cited by Labcorp Genetics (formerly Invitae), Labcorp).